The following is an entry in ClinVar:

NM_001385.3(DPYS):c.568C>T (p.Gln190Ter)

Gene: DPYS (dihydropyrimidinase; minus strand). Cytogenetic location: 8q22.3.
Variant type: single nucleotide variant.
Coding change: c.568C>T on transcript NM_001385.3 (MANE Select); coding-DNA position 568, C replaced by T.
Protein change: p.Gln190Ter; replaces glutamine 190 with a stop codon.
Molecular consequence: nonsense.
Genome position (GRCh38, 1-based): chr8:104,447,359, G>A on the plus strand (C>T on the coding strand, the complement: DPYS is on the minus strand). VCF-style: chr8-104447359-G-A. GRCh37 (hg19) VCF-style: chr8-105459587-G-A.
Other names: short protein forms Q190*.
Identifiers: ClinVar variation 1360900 (VCV001360900.7), dbSNP rs771160155, ClinGen allele CA4838542.

ClinVar aggregate classification (germline): Pathogenic. Review status: criteria provided, multiple submitters, no conflicts (2 of 4 stars). 2 submissions from 2 submitters: Pathogenic (2). Last evaluated 2024-07-11.

Conditions:
Dihydropyrimidinase deficiency (DPYSD). Also called: DPH DEFICIENCY; DPYS DEFICIENCY; dihydropyrimidinuria. Identifiers: Orphanet 38874, MedGen C0342803, MONDO:0009111, OMIM 222748.

Allele frequency attached by ClinVar (database versions not stated): ExAC 0.00001; gnomAD 0.00001; TOPMed 0.00002; gnomAD exomes 0.00004 and 0.00007.
gnomAD v4.1: 23 of 1,613,876 alleles (0.0014%); highest among the groups gnomAD compares: Admixed American, 0.038%; 1 homozygote.

Submissions (2):

Women's Health and Genetics/Laboratory Corporation of America, LabCorp
Classification: Pathogenic for Dihydropyrimidinase deficiency. Last evaluated: 2024-07-11. Review status: criteria provided, single submitter. Criteria: LabCorp Variant Classification Summary - May 2015. Collection method: clinical testing. Allele origin: germline.
Comment: Variant summary: DPYS c.568C>T (p.Gln190X) results in a premature termination codon, predicted to cause a truncation of the encoded protein or absence of the protein due to nonsense mediated decay, which are commonly known mechanisms for disease. The variant allele was found at a frequency of 7.2e-05 in 251420 control chromosomes in the gnomAD database, including 1 homozygote. Since the phenotype of Dihydropyrimidinase Deficiency is highly variable (ranging from early onset of severe neurologic involvement to even asymptomatic individuals; see OMIM), the presence of a homozygous control individual is compatible with the damaging effect of the variant. To our knowledge, no occurrence of c.568C>T in individuals affected with Dihydropyrimidinase Deficiency and no experimental evidence demonstrating its impact on protein function have been reported. ClinVar contains an entry for this variant (Variation ID: 1360900). Based on the evidence outlined above, the variant was classified as pathogenic.

Labcorp Genetics (formerly Invitae), Labcorp
Classification: Pathogenic. Last evaluated: 2024-05-22. Review status: criteria provided, single submitter. Criteria: Invitae Variant Classification Sherloc (09022015). Collection method: clinical testing. Allele origin: germline.
Comment: This sequence change creates a premature translational stop signal (p.Gln190*) in the DPYS gene. It is expected to result in an absent or disrupted protein product. Loss-of-function variants in DPYS are known to be pathogenic (PMID: 20362666). This variant is present in population databases (rs771160155, gnomAD 0.05%). This variant has not been reported in the literature in individuals affected with DPYS-related conditions. ClinVar contains an entry for this variant (Variation ID: 1360900). For these reasons, this variant has been classified as Pathogenic.

Literature cited by the submitters: PubMed 20362666 (cited by Labcorp Genetics (formerly Invitae), Labcorp).